The following is an entry in ClinVar:

NM_000179.3(MSH6):c.1861C>T (p.Leu621=)

Gene: MSH6 (mutS homolog 6; plus strand). Cytogenetic location: 2p16.3.
Variant type: single nucleotide variant.
Coding change: c.1861C>T on transcript NM_000179.3 (MANE Select); coding-DNA position 1861, C replaced by T.
Protein change: p.Leu621=; no amino-acid change (leucine 621 retained).
Molecular consequence: synonymous variant.
Genome position (GRCh38, 1-based): chr2:47,799,844, C>T. VCF-style: chr2-47799844-C-T. GRCh37 (hg19) VCF-style: chr2-48026983-C-T.
Other names: c.1471C>T, p.Leu491= (NM_001281492.2); c.955C>T, p.Leu319= (NM_001281493.2, NM_001281494.2).
Identifiers: ClinVar variation 924353 (VCV000924353.5), dbSNP rs1669385359, ClinGen allele CA426121263.

ClinVar aggregate classification (germline): Benign/Likely benign. Review status: criteria provided, multiple submitters, no conflicts (2 of 4 stars). 3 submissions from 3 submitters: Benign (1); Likely benign (2). Last evaluated 2024-12-30.

Conditions:
Hereditary cancer-predisposing syndrome. Also called: Neoplastic Syndromes, Hereditary; Tumor predisposition; Hereditary Cancer Syndrome; Hereditary neoplastic syndrome. Identifiers: Orphanet 140162, MedGen C0027672, MeSH D009386, MONDO:0015356.
Lynch syndrome 5 (LYNCH5). Also called: Colorectal cancer, hereditary nonpolyposis, type 5; Hereditary non-polyposis colorectal cancer, type 5. Identifiers: Orphanet 144, MedGen C1833477, MONDO:0013710, OMIM 614350. Disease mechanism: loss of function.

Submissions (3):

Myriad Genetics, Inc.
Classification: Benign for Lynch syndrome 5. Last evaluated: 2024-12-30. Review status: criteria provided, single submitter. Criteria: Myriad Autosomal Dominant, Autosomal Recessive and X-Linked Classification Criteria (2023). Collection method: clinical testing. Allele origin: unknown.
Comment: This variant is considered benign. This variant is a silent/synonymous amino acid change and it is not expected to impact splicing.

Ambry Genetics
Classification: Likely benign for Hereditary cancer-predisposing syndrome. Last evaluated: 2020-04-23. Review status: criteria provided, single submitter. Criteria: Ambry Variant Classification Scheme 2023. Collection method: clinical testing. Allele origin: germline.

Color Diagnostics, LLC DBA Color Health
Classification: Likely benign for Hereditary cancer-predisposing syndrome. Last evaluated: 2019-08-14. Review status: criteria provided, single submitter. Criteria: ACMG Guidelines, 2015. Collection method: clinical testing. Allele origin: germline.